The following is an entry in ClinVar:

ClinVar aggregate classification (germline): Uncertain significance (1 of 4 stars; one submission).

Conditions:
Autosomal recessive polycystic kidney disease (ARPKD). Also called: AR polycystic kidney disease. Identifiers: Orphanet 731, Orphanet 8378, MedGen C0085548, MeSH D017044, MONDO:0009889.

Allele frequency attached by ClinVar (database versions not stated): TOPMed below 0.00001; gnomAD 0.00001; gnomAD exomes 0.00005.
gnomAD v4.1: 75 of 1,613,104 alleles (0.0046%); highest among the groups gnomAD compares: Non-Finnish European, 0.0062%; no homozygotes.

Submission:

Labcorp Genetics (formerly Invitae), Labcorp
Classification: Uncertain significance for Autosomal recessive polycystic kidney disease. Last evaluated: 2021-08-27. Review status: criteria provided, single submitter. Criteria: Invitae Variant Classification Sherloc (09022015). Collection method: clinical testing. Allele origin: germline.
Comment: This sequence change replaces serine with glycine at codon 2394 of the PKHD1 protein (p.Ser2394Gly). The serine residue is weakly conserved and there is a small physicochemical difference between serine and glycine. This variant is not present in population databases (ExAC no frequency). This variant has not been reported in the literature in individuals affected with PKHD1-related conditions. Algorithms developed to predict the effect of missense changes on protein structure and function (SIFT, PolyPhen-2, Align-GVGD) all suggest that this variant is likely to be tolerated. In summary, the available evidence is currently insufficient to determine the role of this variant in disease. Therefore, it has been classified as a Variant of Uncertain Significance.

NM_138694.4(PKHD1):c.7180A>G (p.Ser2394Gly)

Gene: PKHD1 (PKHD1 ciliary IPT domain containing fibrocystin/polyductin; minus strand). Cytogenetic location: 6p12.2.
Variant type: single nucleotide variant.
Coding change: c.7180A>G on transcript NM_138694.4 (MANE Select); coding-DNA position 7180, A replaced by G.
Protein change: p.Ser2394Gly; replaces serine 2394 with glycine.
Molecular consequence: missense variant.
Genome position (GRCh38, 1-based): chr6:51,885,902, T>C on the plus strand (A>G on the coding strand, the complement: PKHD1 is on the minus strand). VCF-style: chr6-51885902-T-C. GRCh37 (hg19) VCF-style: chr6-51750700-T-C.
Other names: c.7180A>G, p.Ser2394Gly (NM_170724.3); short protein forms S2394G.
Identifiers: ClinVar variation 2070973 (VCV002070973.1), dbSNP rs1245603438, ClinGen allele CA364423481.